The following is an entry in ClinVar:

NM_002900.3(RBP3):c.3622G>A (p.Gly1208Arg)

Gene: RBP3 (retinol binding protein 3; plus strand). Cytogenetic location: 10q11.22.
Variant type: single nucleotide variant.
Coding change: c.3622G>A on transcript NM_002900.3 (MANE Select); coding-DNA position 3622, G replaced by A.
Protein change: p.Gly1208Arg; replaces glycine 1208 with arginine.
Molecular consequence: missense variant.
Genome position (GRCh38, 1-based): chr10:47,357,335, G>A. VCF-style: chr10-47357335-G-A. GRCh37 (hg19) VCF-style: chr10-48382027-C-T.
Other names: short protein forms G1208R.
Identifiers: ClinVar variation 806460 (VCV000806460.50), dbSNP rs1206764279, ClinGen allele CA376677710.

ClinVar aggregate classification (germline): Uncertain significance. Review status: criteria provided, multiple submitters, no conflicts (2 of 4 stars). 3 submissions from 3 submitters: Uncertain significance (3). Last evaluated 2024-09-20.

Allele frequency attached by ClinVar (database versions not stated): gnomAD exomes below 0.00001; gnomAD 0.00001; TOPMed 0.00001.
gnomAD v4.1: 25 of 1,614,048 alleles (0.0015%); highest among the groups gnomAD compares: Middle Eastern, 0.033%; no homozygotes.

Submissions (3):

Blueprint Genetics
Classification: Uncertain significance. Last evaluated: 2024-09-20. Review status: criteria provided, single submitter. Criteria: ACMG Guidelines, 2015. Collection method: clinical testing. Allele origin: germline.

Labcorp Genetics (formerly Invitae), Labcorp
Classification: Uncertain significance. Last evaluated: 2022-04-12. Review status: criteria provided, single submitter. Criteria: Invitae Variant Classification Sherloc (09022015). Collection method: clinical testing. Allele origin: germline.
Comment: ClinVar contains an entry for this variant (Variation ID: 806460). This sequence change replaces glycine, which is neutral and non-polar, with arginine, which is basic and polar, at codon 1208 of the RBP3 protein (p.Gly1208Arg). This variant is present in population databases (no rsID available, gnomAD 0.0009%). This variant has not been reported in the literature in individuals affected with RBP3-related conditions. Algorithms developed to predict the effect of missense changes on protein structure and function (SIFT, PolyPhen-2, Align-GVGD) all suggest that this variant is likely to be disruptive. In summary, the available evidence is currently insufficient to determine the role of this variant in disease. Therefore, it has been classified as a Variant of Uncertain Significance.

CeGaT Center for Human Genetics Tuebingen
Classification: Uncertain significance. Last evaluated: 2016-06-01. Review status: criteria provided, single submitter. Criteria: CeGaT Center For Human Genetics Tuebingen Variant Classification Criteria Version 2. Collection method: clinical testing. Allele origin: germline. Affected: yes. Observed: 1 variant allele.